The following is an entry in ClinVar:

NM_001370298.3(FGD4):c.488G>T (p.Arg163Leu)

Gene: FGD4 (FYVE, RhoGEF and PH domain containing 4; plus strand). Cytogenetic location: 12p11.21.
Variant type: single nucleotide variant.
Coding change: c.488G>T on transcript NM_001370298.3 (MANE Select); coding-DNA position 488, G replaced by T.
Protein change: p.Arg163Leu; replaces arginine 163 with leucine.
Molecular consequence: missense variant. On other transcripts: 5 prime UTR variant (2), intron variant (4).
Genome position (GRCh38, 1-based): chr12:32,576,434, G>T. VCF-style: chr12-32576434-G-T. GRCh37 (hg19) VCF-style: chr12-32729368-G-T.
Other names: c.332G>T, p.Arg111Leu (NM_001304481.2); c.-768G>T (NM_001304483.2); c.-1075G>T (NM_001304484.2); c.488G>T, p.Arg163Leu (NM_001384126.1); c.77G>T, p.Arg26Leu (NM_001384127.1, NM_001384128.1, NM_001384131.1 and 3 more transcripts); c.-187-5526G>T (NM_001330374.2, NM_001330373.2, NM_001384130.1); c.48+12145G>T (NM_001370297.1); short protein forms R111L, R26L, R163L.
Identifiers: ClinVar variation 1045190 (VCV001045190.9), dbSNP rs540449675, ClinGen allele CA6506568.

ClinVar aggregate classification (germline): Uncertain significance (1 of 4 stars; one submission).

Conditions:
Charcot-Marie-Tooth disease type 4. Also called: Charcot-Marie-Tooth disease, type IV; Charcot-Marie-Tooth, Type 4. Identifiers: Orphanet 64749, MedGen C4082197, MONDO:0018995.

Allele frequency attached by ClinVar (database versions not stated): 1000 Genomes Project 30x 0.00016; 1000 Genomes Project 0.00020.
gnomAD v4.1: 6 of 1,614,116 alleles (0.00037%); highest among the groups gnomAD compares: South Asian, 0.0066%; no homozygotes.

Submission:

Labcorp Genetics (formerly Invitae), Labcorp
Classification: Uncertain significance for Charcot-Marie-Tooth disease type 4. Last evaluated: 2020-06-28. Review status: criteria provided, single submitter. Criteria: Invitae Variant Classification Sherloc (09022015). Collection method: clinical testing. Allele origin: germline.
Comment: This variant is present in population databases (rs540449675, ExAC 0.006%). This variant has not been reported in the literature in individuals with FGD4-related conditions. Algorithms developed to predict the effect of missense changes on protein structure and function are either unavailable or do not agree on the potential impact of this missense change (SIFT: "Deleterious"; PolyPhen-2: "Possibly Damaging"; Align-GVGD: "Class C0"). In summary, the available evidence is currently insufficient to determine the role of this variant in disease. Therefore, it has been classified as a Variant of Uncertain Significance. This sequence change replaces arginine with leucine at codon 26 of the FGD4 protein (p.Arg26Leu). The arginine residue is moderately conserved and there is a moderate physicochemical difference between arginine and leucine.